The following is an entry in ClinVar:

ClinVar aggregate classification (germline): Uncertain significance (1 of 4 stars; one submission).

Allele frequency attached by ClinVar (database versions not stated): gnomAD 0.00001; gnomAD exomes 0.00001 and 0.00002; TOPMed 0.00001; ExAC 0.00002.
gnomAD v4.1: 12 of 1,614,014 alleles (0.00074%); highest among the groups gnomAD compares: South Asian, 0.0044%; no homozygotes.

Submission:

Genetic Services Laboratory, University of Chicago
Classification: Uncertain significance. Last evaluated: 2021-04-16. Review status: criteria provided, single submitter. Criteria: ACMG Guidelines, 2015. Collection method: clinical testing. Allele origin: germline. Affected: no.
Comment: This sequence change does not appear to have been previously described in patients with FANCA-related disorders and has been described in the gnomAD database with a low population frequency of 0.0020% (dbSNP rs753036862). The p.Asp1153Asn change affects a poorly conserved amino acid residue located in a domain of the FANCA protein that is not known to be functional. The p.Asp1153Asn substitution appears to be benign using several in-silico pathogenicity prediction tools (SIFT, PolyPhen2, Align GVGD, REVEL). Due to these contrasting evidences and the lack of functional studies, the clinical significance of the p.Asp1153Asn change remains unknown at this time.

NM_000135.4(FANCA):c.3457G>A (p.Asp1153Asn)

Gene: FANCA (FA complementation group A; minus strand). Cytogenetic location: 16q24.3.
Variant type: single nucleotide variant.
Coding change: c.3457G>A on transcript NM_000135.4 (MANE Select); coding-DNA position 3457, G replaced by A.
Protein change: p.Asp1153Asn; replaces aspartic acid 1153 with asparagine.
Molecular consequence: missense variant.
Genome position (GRCh38, 1-based): chr16:89,746,640, C>T on the plus strand (G>A on the coding strand, the complement: FANCA is on the minus strand). VCF-style: chr16-89746640-C-T. GRCh37 (hg19) VCF-style: chr16-89813048-C-T.
Other names: c.3457G>A, p.Asp1153Asn (NM_001286167.3); short protein forms D1153N.
Identifiers: ClinVar variation 1337906 (VCV001337906.4), dbSNP rs753036862, ClinGen allele CA8251146.